The following is an entry in ClinVar:

ClinVar aggregate classification (germline): Uncertain significance. Review status: criteria provided, multiple submitters, no conflicts (2 of 4 stars). 2 submissions from 2 submitters: Uncertain significance (2). Last evaluated 2024-04-05.

Allele frequency attached by ClinVar (database versions not stated): gnomAD 0.00001; ExAC 0.00003; gnomAD exomes 0.00003; TOPMed 0.00003.
gnomAD v4.1: 50 of 1,613,690 alleles (0.0031%); highest among the groups gnomAD compares: East Asian, 0.0045%; no homozygotes.

Submissions (2):

Women's Health and Genetics/Laboratory Corporation of America, LabCorp
Classification: Uncertain significance. Last evaluated: 2024-04-05. Review status: criteria provided, single submitter. Criteria: LabCorp Variant Classification Summary - May 2015. Collection method: clinical testing. Allele origin: germline.
Comment: Variant summary: SRCAP c.1508G>A (p.Arg503Gln) results in a conservative amino acid change in the encoded protein sequence. Five of five in-silico tools predict a benign effect of the variant on protein function. The variant allele was found at a frequency of 3.2e-05 in 251072 control chromosomes. The available data on variant occurrences in the general population are insufficient to allow any conclusion about variant significance. To our knowledge, no occurrence of c.1508G>A in individuals affected with Floating-Harbor Syndrome and no experimental evidence demonstrating its impact on protein function have been reported. ClinVar contains an entry for this variant (Variation ID: 1468620). Based on the evidence outlined above, the variant was classified as uncertain significance.

Labcorp Genetics (formerly Invitae), Labcorp
Classification: Uncertain significance. Last evaluated: 2022-12-15. Review status: criteria provided, single submitter. Criteria: Invitae Variant Classification Sherloc (09022015). Collection method: clinical testing. Allele origin: germline.
Comment: In summary, the available evidence is currently insufficient to determine the role of this variant in disease. Therefore, it has been classified as a Variant of Uncertain Significance. Advanced modeling of protein sequence and biophysical properties (such as structural, functional, and spatial information, amino acid conservation, physicochemical variation, residue mobility, and thermodynamic stability) performed at Invitae indicates that this missense variant is not expected to disrupt SRCAP protein function. This sequence change replaces arginine, which is basic and polar, with glutamine, which is neutral and polar, at codon 503 of the SRCAP protein (p.Arg503Gln). This variant is present in population databases (rs774882612, gnomAD 0.01%). This variant has not been reported in the literature in individuals affected with SRCAP-related conditions. ClinVar contains an entry for this variant (Variation ID: 1468620).

NM_006662.3(SRCAP):c.1508G>A (p.Arg503Gln)

Gene: SRCAP (Snf2 related CREBBP activator protein; plus strand). Cytogenetic location: 16p11.2.
Variant type: single nucleotide variant.
Coding change: c.1508G>A on transcript NM_006662.3 (MANE Select); coding-DNA position 1508, G replaced by A.
Protein change: p.Arg503Gln; replaces arginine 503 with glutamine.
Molecular consequence: missense variant.
Genome position (GRCh38, 1-based): chr16:30,711,850, G>A. VCF-style: chr16-30711850-G-A. GRCh37 (hg19) VCF-style: chr16-30723171-G-A.
Other names: short protein forms R503Q.
Identifiers: ClinVar variation 1468620 (VCV001468620.7), dbSNP rs774882612, ClinGen allele CA8011023.
Genomic context (GRCh38, chr16:30,711,850, plus strand): 5'-GAAGAGCAGGTATGATGAGCAGTAAGCCTTGGTCTTACCCTTTAGACTCTGTGGAGGACC[G>A]GAGTGAGGATGAGGAAGATGAACATTCAGAGGAGGAAGAAACAAGTGGAAGTTCAGCATC-3'
Protein context (NP_006653.2, residues 493-513): SSSQSDSVED[Arg503Gln]SEDEEDEHSE